The following is an entry in ClinVar:

NM_001244008.2(KIF1A):c.2161C>T (p.Arg721Trp)

Gene: KIF1A (kinesin family member 1A; minus strand). Cytogenetic location: 2q37.3.
Variant type: single nucleotide variant.
Coding change: c.2161C>T on transcript NM_001244008.2 (MANE Select); coding-DNA position 2161, C replaced by T.
Protein change: p.Arg721Trp; replaces arginine 721 with tryptophan.
Molecular consequence: missense variant.
Genome position (GRCh38, 1-based): chr2:240,761,333, G>A on the plus strand (C>T on the coding strand, the complement: KIF1A is on the minus strand). VCF-style: chr2-240761333-G-A. GRCh37 (hg19) VCF-style: chr2-241700750-G-A.
Other names: c.2161C>T, p.Arg721Trp (NM_001320705.2, NM_001330289.2, NM_001379638.1); c.2236C>T, p.Arg746Trp (NM_001330290.2, NM_001379631.1, NM_001379634.1 and 2 more transcripts); c.2134C>T, p.Arg712Trp (NM_001379632.1, NM_001379633.1, NM_001379636.1 and 10 more transcripts); c.2209C>T, p.Arg737Trp (NM_001379637.1, NM_001379648.1); short protein forms R712W, R721W, R746W, R737W.
Identifiers: ClinVar variation 464218 (VCV000464218.11), dbSNP rs747643976, ClinGen allele CA2208167.
Genomic context (GRCh38, chr2:240,761,333, plus strand): 5'-AGATGGCGTTGCCCCACAGCAGGTCCCGCAGAGACGTGAACTGGTACCACTTCCACTTCC[G>A]GAAGGCCCAGAGCGCCAGCTCACACTCCCGCTCTGTCCACTGGACTGTGGGGAGAGGTCA-3'
Protein context (NP_001230937.1, residues 711-731): RECELALWAF[Arg721Trp]KWKWYQFTSL

ClinVar aggregate classification (germline): Uncertain significance. Review status: criteria provided, multiple submitters, no conflicts (2 of 4 stars). 3 submissions from 3 submitters: Uncertain significance (3). Last evaluated 2025-09-21.

Conditions:
Inborn genetic diseases. Identifiers: MedGen C0950123, MeSH D030342.
Neuropathy, hereditary sensory, type 2C. Also called: Hereditary sensory and autonomic neuropathy type IIC; KIF1A-Related HSAN2 (HSAN2C). Identifiers: Orphanet 970, MedGen C3280168, MONDO:0013634, OMIM 614213.
Intellectual disability, autosomal dominant 9 (NESCAVS). Also called: NESCAV SYNDROME; KIF1A-Related Neurodevelopmental Disorder. Identifiers: Orphanet 662367, MedGen C5393830, MONDO:0013656, OMIM 614255.
Hereditary spastic paraplegia 30. Identifiers: Orphanet 101010, MedGen C5235139, MONDO:0012476.

Allele frequency attached by ClinVar (database versions not stated): gnomAD exomes below 0.00001; TOPMed below 0.00001; ExAC 0.00001; gnomAD 0.00001.

Submissions (3):

Labcorp Genetics (formerly Invitae), Labcorp
Classification: Uncertain significance for Hereditary spastic paraplegia 30; Neuropathy, hereditary sensory, type 2C; Intellectual disability, autosomal dominant 9. Last evaluated: 2025-09-21. Review status: criteria provided, single submitter. Criteria: Invitae Variant Classification Sherloc (09022015). Collection method: clinical testing. Allele origin: germline.
Comment: This sequence change replaces arginine, which is basic and polar, with tryptophan, which is neutral and slightly polar, at codon 712 of the KIF1A protein (p.Arg712Trp). This variant is present in population databases (rs747643976, gnomAD 0.005%). This variant has not been reported in the literature in individuals affected with KIF1A-related conditions. ClinVar contains an entry for this variant (Variation ID: 464218). Invitae Evidence Modeling of protein sequence and biophysical properties (such as structural, functional, and spatial information, amino acid conservation, physicochemical variation, residue mobility, and thermodynamic stability) has been performed for this missense variant. However, the output from this modeling did not meet the statistical confidence thresholds required to predict the impact of this variant on KIF1A protein function. In summary, the available evidence is currently insufficient to determine the role of this variant in disease. Therefore, it has been classified as a Variant of Uncertain Significance.

GeneDx
Classification: Uncertain significance. Last evaluated: 2024-07-23. Review status: criteria provided, single submitter. Criteria: GeneDx Variant Classification Process June 2021. Collection method: clinical testing. Allele origin: germline. Affected: yes.
Comment: In silico analysis supports that this missense variant has a deleterious effect on protein structure/function; Has not been previously published as pathogenic or benign to our knowledge

Ambry Genetics
Classification: Uncertain significance for Inborn genetic diseases. Last evaluated: 2021-09-02. Review status: criteria provided, single submitter. Criteria: Ambry Variant Classification Scheme 2023. Collection method: clinical testing. Allele origin: germline.